The following is an entry in ClinVar:

ClinVar aggregate classification (germline): Uncertain significance (1 of 4 stars; one submission).

Conditions:
Cohen syndrome (COH1). Also called: Cutis verticis gyrata, retinitis pigmentosa, and sensorineural deafness; PEPPER SYNDROME. Identifiers: Orphanet 193, MedGen C0265223, MONDO:0008999, OMIM 216550.

Allele frequency attached by ClinVar (database versions not stated): gnomAD exomes 0.00001; ExAC 0.00002.
gnomAD v4.1: 2 of 1,613,924 alleles (0.00012%); highest among the groups gnomAD compares: Non-Finnish European, 0.00017%; no homozygotes.

Submission:

Labcorp Genetics (formerly Invitae), Labcorp
Classification: Uncertain significance for Cohen syndrome. Last evaluated: 2019-08-07. Review status: criteria provided, single submitter. Criteria: Invitae Variant Classification Sherloc (09022015). Collection method: clinical testing. Allele origin: germline.
Comment: In summary, the available evidence is currently insufficient to determine the role of this variant in disease. Therefore, it has been classified as a Variant of Uncertain Significance. Algorithms developed to predict the effect of missense changes on protein structure and function (SIFT, PolyPhen-2, Align-GVGD) all suggest that this variant is likely to be tolerated, but these predictions have not been confirmed by published functional studies and their clinical significance is uncertain. This variant has not been reported in the literature in individuals with VPS13B-related conditions. This variant is present in population databases (rs749988222, ExAC 0.003%). This sequence change replaces serine with threonine at codon 948 of the VPS13B protein (p.Ser948Thr). The serine residue is moderately conserved and there is a small physicochemical difference between serine and threonine.

NM_152564.5(VPS13B):c.2843G>C (p.Ser948Thr)

Gene: VPS13B (vacuolar protein sorting 13 homolog B; plus strand). Cytogenetic location: 8q22.2.
Variant type: single nucleotide variant.
Coding change: c.2843G>C on transcript NM_152564.5 (MANE Select); coding-DNA position 2843, G replaced by C.
Protein change: p.Ser948Thr; replaces serine 948 with threonine.
Molecular consequence: missense variant.
Genome position (GRCh38, 1-based): chr8:99,384,226, G>C. VCF-style: chr8-99384226-G-C. GRCh37 (hg19) VCF-style: chr8-100396454-G-C.
Other names: c.2843G>C, p.Ser948Thr (NM_017890.5); short protein forms S948T.
Identifiers: ClinVar variation 959569 (VCV000959569.8), dbSNP rs749988222, ClinGen allele CA4823066.